The following is an entry in ClinVar:

NM_001199138.2(NLRC4):c.808C>T (p.Arg270Cys)

Gene: NLRC4 (NLR family CARD domain containing 4; minus strand). Cytogenetic location: 2p22.3.
Variant type: single nucleotide variant.
Coding change: c.808C>T on transcript NM_001199138.2 (MANE Select); coding-DNA position 808, C replaced by T.
Protein change: p.Arg270Cys; replaces arginine 270 with cysteine.
Molecular consequence: missense variant. On other transcripts: intron variant (1).
Genome position (GRCh38, 1-based): chr2:32,251,056, G>A on the plus strand (C>T on the coding strand, the complement: NLRC4 is on the minus strand). VCF-style: chr2-32251056-G-A. GRCh37 (hg19) VCF-style: chr2-32476125-G-A.
Other names: c.808C>T, p.Arg270Cys (NM_001199139.2, NM_021209.5); c.262+1363C>T (NM_001302504.1); short protein forms R270C.
Identifiers: ClinVar variation 1354389 (VCV001354389.13), dbSNP rs374448922, ClinGen allele CA1602087.

ClinVar aggregate classification (germline): Uncertain significance. Review status: criteria provided, multiple submitters, no conflicts (2 of 4 stars). 4 submissions from 4 submitters: Uncertain significance (4). Last evaluated 2026-01-20.

Conditions:
Inborn genetic diseases. Identifiers: MedGen C0950123, MeSH D030342.
Autoinflammatory syndrome. Identifiers: Orphanet 93665, MedGen C3890737, MONDO:0019751.
Familial cold autoinflammatory syndrome 4 (FCAS4). Identifiers: Orphanet 47045, Orphanet 576349, MedGen C4015276, MONDO:0014498, OMIM 616115.
Periodic fever-infantile enterocolitis-autoinflammatory syndrome. Also called: Autoinflammation with infantile enterocolitis. Identifiers: Orphanet 436166, MedGen C4015067, MONDO:0014472, OMIM 616050.

Allele frequency attached by ClinVar (database versions not stated): gnomAD exomes 0.00002 and 0.00003; TOPMed 0.00003; ESP Exome Variant Server 0.00008; ExAC 0.00002; gnomAD 0.00002.
gnomAD v4.1: 51 of 1,614,024 alleles (0.0032%); highest among the groups gnomAD compares: Non-Finnish European, 0.004%; no homozygotes.

Submissions (4):

Labcorp Genetics (formerly Invitae), Labcorp
Classification: Uncertain significance for Periodic fever-infantile enterocolitis-autoinflammatory syndrome; Familial cold autoinflammatory syndrome 4. Last evaluated: 2026-01-20. Review status: criteria provided, single submitter. Criteria: Invitae Variant Classification Sherloc (09022015). Collection method: clinical testing. Allele origin: germline.
Comment: This sequence change replaces arginine, which is basic and polar, with cysteine, which is neutral and slightly polar, at codon 270 of the NLRC4 protein (p.Arg270Cys). This variant is present in population databases (rs374448922, gnomAD 0.004%). This variant has not been reported in the literature in individuals affected with NLRC4-related conditions. ClinVar contains an entry for this variant (Variation ID: 1354389). Invitae Evidence Modeling of protein sequence and biophysical properties (such as structural, functional, and spatial information, amino acid conservation, physicochemical variation, residue mobility, and thermodynamic stability) indicates that this missense variant is not expected to disrupt NLRC4 protein function with a negative predictive value of 80%. In summary, the available evidence is currently insufficient to determine the role of this variant in disease. Therefore, it has been classified as a Variant of Uncertain Significance.

Ambry Genetics
Classification: Uncertain significance for Inborn genetic diseases. Last evaluated: 2025-11-05. Review status: criteria provided, single submitter. Criteria: Ambry Variant Classification Scheme 2023. Collection method: clinical testing. Allele origin: germline.

Blueprint Genetics
Classification: Uncertain significance. Last evaluated: 2024-10-24. Review status: criteria provided, single submitter. Criteria: ACMG Guidelines, 2015. Collection method: clinical testing. Allele origin: germline.

Genome Diagnostics Laboratory, The Hospital for Sick Children
Classification: Uncertain significance for Autoinflammatory syndrome. Last evaluated: 2018-01-01. Review status: criteria provided, single submitter. Criteria: ACMG Guidelines, 2015. Collection method: clinical testing. Allele origin: germline. Affected: yes.